The following is an entry in ClinVar:

ClinVar aggregate classification (germline): Uncertain significance. Review status: criteria provided, multiple submitters, no conflicts (2 of 4 stars). 2 submissions from 2 submitters: Uncertain significance (2). Last evaluated 2024-12-17.

Conditions:
Myofibrillar myopathy 5. Also called: FILAMINOPATHY, AUTOSOMAL DOMINANT; Filaminopathy (type). Identifiers: Orphanet 171445, MedGen C1836050, MONDO:0012289, OMIM 609524.
Hypertrophic cardiomyopathy 26. Also called: Cardiomyopathy, familial hypertrophic, 26. Identifiers: Orphanet 75249, MedGen C4310749, MONDO:0014883, OMIM 617047.
Distal myopathy with posterior leg and anterior hand involvement. Also called: WILLIAMS DISTAL MYOPATHY. Identifiers: Orphanet 63273, MedGen C3279722, MONDO:0013550, OMIM 614065.
Cardiovascular phenotype. Identifiers: MedGen CN230736.

Submissions (2):

Labcorp Genetics (formerly Invitae), Labcorp
Classification: Uncertain significance for Distal myopathy with posterior leg and anterior hand involvement; Myofibrillar myopathy 5; Hypertrophic cardiomyopathy 26. Last evaluated: 2024-12-17. Review status: criteria provided, single submitter. Criteria: Invitae Variant Classification Sherloc (09022015). Collection method: clinical testing. Allele origin: germline.
Comment: This sequence change replaces glycine, which is neutral and non-polar, with valine, which is neutral and non-polar, at codon 67 of the FLNC protein (p.Gly67Val). This variant is not present in population databases (gnomAD no frequency). This missense change has been observed in individuals with arrhythmogenic cardiomyopathy and/or dilated cardiomyopathy (internal data). ClinVar contains an entry for this variant (Variation ID: 1008591). Invitae Evidence Modeling of protein sequence and biophysical properties (such as structural, functional, and spatial information, amino acid conservation, physicochemical variation, residue mobility, and thermodynamic stability) has been performed for this missense variant. However, the output from this modeling did not meet the statistical confidence thresholds required to predict the impact of this variant on FLNC protein function. In summary, the available evidence is currently insufficient to determine the role of this variant in disease. Therefore, it has been classified as a Variant of Uncertain Significance.

Ambry Genetics
Classification: Uncertain significance for Cardiovascular phenotype. Last evaluated: 2023-06-14. Review status: criteria provided, single submitter. Criteria: Ambry Variant Classification Scheme 2023. Collection method: clinical testing. Allele origin: germline.
Comment: The p.G67V variant (also known as c.200G>T), located in coding exon 1 of the FLNC gene, results from a G to T substitution at nucleotide position 200. The glycine at codon 67 is replaced by valine, an amino acid with dissimilar properties. This amino acid position is conserved. In addition, this alteration is predicted to be deleterious by in silico analysis. Since supporting evidence is limited at this time, the clinical significance of this alteration remains unclear.

NM_001458.5(FLNC):c.200G>T (p.Gly67Val)

Gene: FLNC (filamin C; plus strand). Cytogenetic location: 7q32.1.
Variant type: single nucleotide variant.
Coding change: c.200G>T on transcript NM_001458.5 (MANE Select); coding-DNA position 200, G replaced by T.
Protein change: p.Gly67Val; replaces glycine 67 with valine.
Molecular consequence: missense variant.
Genome position (GRCh38, 1-based): chr7:128,830,837, G>T. VCF-style: chr7-128830837-G-T. GRCh37 (hg19) VCF-style: chr7-128470891-G-T.
Other names: c.200G>T (NM_001458.4); c.200G>T, p.Gly67Val (NM_001127487.2); short protein forms G67V.
Identifiers: ClinVar variation 1008591 (VCV001008591.9), dbSNP rs1807857687, ClinGen allele CA369216301.